The following is an entry in ClinVar:

ClinVar aggregate classification (germline): Pathogenic (1 of 4 stars; one submission).

Conditions:
Neurofibromatosis, type 1 (NF1). Also called: Peripheral type neurofibromatosis; VON RECKLINGHAUSEN DISEASE; NEUROFIBROMATOSIS, TYPE I, SOMATIC; Neurofibromatosis, type I. Identifiers: Orphanet 636, MedGen C0027831, MONDO:0018975, OMIM 162200. Disease mechanism: loss of function.

Submission:

Labcorp Genetics (formerly Invitae), Labcorp
Classification: Pathogenic for Neurofibromatosis, type 1. Last evaluated: 2024-10-06. Review status: criteria provided, single submitter. Criteria: Invitae Variant Classification Sherloc (09022015). Collection method: clinical testing. Allele origin: germline.
Comment: This sequence change creates a premature translational stop signal (p.Leu834Tyrfs*7) in the NF1 gene. It is expected to result in an absent or disrupted protein product. Loss-of-function variants in NF1 are known to be pathogenic (PMID: 10712197, 23913538). This variant is not present in population databases (gnomAD no frequency). This premature translational stop signal has been observed in individual(s) with neurofibromatosis type 1 (PMID: 35240321). For these reasons, this variant has been classified as Pathogenic.

Literature cited by the submitters: PubMed 10712197; PubMed 23913538; PubMed 35240321.

NM_001042492.3(NF1):c.2500del (p.Leu834fs)

Gene: NF1 (neurofibromin 1; plus strand). Cytogenetic location: 17q11.2.
Variant type: Deletion.
Coding change: c.2500del on transcript NM_001042492.3 (MANE Select); coding-DNA position 2500, one base deleted (C; older notation c.2500delC).
Protein change: p.Leu834fs; shifts the reading frame from leucine 834.
Molecular consequence: frameshift variant.
Genome position (GRCh38, 1-based): chr17:31,229,115, C deleted; the last of 3 consecutive C bases (chr17:31,229,113-31,229,115); deleting any one gives the same sequence. VCF-style (leftmost placement, unchanged base first): chr17-31229112-TC-T. GRCh37 (hg19) VCF-style: chr17-29556130-TC-T.
Other names: c.2500delC, p.Leu834Tyrfs (NM_000267.4); short protein forms L834fs.
Identifiers: ClinVar variation 2707777 (VCV002707777.3), dbSNP rs2508182881, ClinGen allele CA2695225367.